The following is an entry in ClinVar:

ClinVar aggregate classification (germline): Pathogenic/Likely pathogenic. Review status: criteria provided, multiple submitters, no conflicts (2 of 4 stars). 4 submissions from 4 submitters: Pathogenic (1); Likely pathogenic (1). 2 of the submissions do not count toward it. Last evaluated 2023-10-03.

Conditions:
PRPH2-related disorder. Also called: PRPH2-related condition; PRPH2-related disorders. Identifiers: MedGen CN239395.
Retinitis pigmentosa (RP). Identifiers: Orphanet 791, MedGen C0035334, MeSH D012174, MONDO:0019200, OMIM 268000. Inheritance: Autosomal dominant, autosomal recessive and X linked inheritance.
Retinitis pigmentosa 7 (RP7). Identifiers: Orphanet 791, MedGen C1842475, MONDO:0011974, OMIM 608133.

Submissions (4):

Labcorp Genetics (formerly Invitae), Labcorp
Classification: Pathogenic for PRPH2-related disorder. Last evaluated: 2023-10-03. Review status: criteria provided, single submitter. Criteria: Invitae Variant Classification Sherloc (09022015). Collection method: clinical testing. Allele origin: germline.
Comment: This sequence change replaces aspartic acid, which is acidic and polar, with alanine, which is neutral and non-polar, at codon 173 of the PRPH2 protein (p.Asp173Ala). This variant is not present in population databases (gnomAD no frequency). This missense change has been observed in individuals with autosomal dominant inherited retinal dystrophy (PMID: 31456290; Invitae). ClinVar contains an entry for this variant (Variation ID: 812387). Advanced modeling of protein sequence and biophysical properties (such as structural, functional, and spatial information, amino acid conservation, physicochemical variation, residue mobility, and thermodynamic stability) performed at Invitae indicates that this missense variant is expected to disrupt PRPH2 protein function. This variant disrupts the p.Asp173 amino acid residue in PRPH2. Other variant(s) that disrupt this residue have been observed in individuals with PRPH2-related conditions (PMID: 8019570), which suggests that this may be a clinically significant amino acid residue. For these reasons, this variant has been classified as Pathogenic.

3billion
Classification: Likely pathogenic for Retinitis pigmentosa 7. Last evaluated: 2022-05-22. Review status: criteria provided, single submitter. Criteria: ACMG Guidelines, 2015. Collection method: clinical testing. Allele origin: germline. Affected: yes. Observed: 1 heterozygote.
Comment: The variant is not observed in the gnomAD v2.1.1 dataset. In silico tool predictions suggest damaging effect of the variant on gene or gene product (REVEL: 0.96; 3Cnet: 1.00). Same nucleotide change resulting in same amino acid change has been previously reported as pathogenic/likely pathogenic with strong evidence (PMID: 31456290). Different missense changes at the same codon (p.Asp173Gly, p.Asp173Val) have been reported to be associated with PRPH2 related disorder (ClinVar ID: VCV000013181, VCV000866675 / PMID: 8019570). Therefore, this variant is classified as likely pathogenic according to the recommendation of ACMG/AMP guideline.

Leiden Open Variation Database
Classification: Likely pathogenic. Last evaluated: 2020-08-28. Review status: no assertion criteria provided. Collection method: curation. Allele origin: germline. Affected: yes. Not counted in ClinVar's aggregate classification.
Comment: Curator: Global Variome, with Curator vacancy. Submitter to LOVD: Global Variome, with Curator vacancy.

Sharon lab, Hadassah-Hebrew University Medical Center
Classification: Likely pathogenic for Retinitis pigmentosa. Last evaluated: 2019-06-23. Review status: no assertion criteria provided. Collection method: research. Allele origin: inherited. Affected: yes. Not counted in ClinVar's aggregate classification.

Literature cited by the submitters: PubMed 31456290 (cited by 3 submitters); PubMed 8019570 (cited by Labcorp Genetics (formerly Invitae), Labcorp and 3billion).

NM_000322.5(PRPH2):c.518A>C (p.Asp173Ala)

Gene: PRPH2 (peripherin 2; minus strand). Cytogenetic location: 6p21.1.
Variant type: single nucleotide variant.
Coding change: c.518A>C on transcript NM_000322.5 (MANE Select); coding-DNA position 518, A replaced by C.
Protein change: p.Asp173Ala; replaces aspartic acid 173 with alanine.
Molecular consequence: missense variant.
Genome position (GRCh38, 1-based): chr6:42,721,817, T>G on the plus strand (A>C on the coding strand, the complement: PRPH2 is on the minus strand). VCF-style: chr6-42721817-T-G. GRCh37 (hg19) VCF-style: chr6-42689555-T-G.
Other names: short protein forms D173A.
Identifiers: ClinVar variation 812387 (VCV000812387.11), dbSNP rs61755794, ClinGen allele CA364137383.